The following is an entry in ClinVar:

NM_016122.3(CEP83):c.1160G>A (p.Gly387Asp)

Gene: CEP83 (centrosomal protein 83; minus strand). Cytogenetic location: 12q22.
Variant type: single nucleotide variant.
Coding change: c.1160G>A on transcript NM_016122.3 (MANE Select); coding-DNA position 1160, G replaced by A.
Protein change: p.Gly387Asp; replaces glycine 387 with aspartic acid.
Molecular consequence: missense variant. On other transcripts: non-coding transcript variant (1).
Genome position (GRCh38, 1-based): chr12:94,368,090, C>T on the plus strand (G>A on the coding strand, the complement: CEP83 is on the minus strand). VCF-style: chr12-94368090-C-T. GRCh37 (hg19) VCF-style: chr12-94761866-C-T.
Other names: c.1160G>A, p.Gly387Asp (NM_001042399.2, NM_001346457.2, NM_001368037.1 and 1 more transcripts); c.848G>A, p.Gly283Asp (NM_001346458.2, NM_001346459.2, NM_001368039.1 and 1 more transcripts); c.935G>A, p.Gly312Asp (NM_001368041.1); short protein forms G387D, G312D, G283D.
Identifiers: ClinVar variation 2037997 (VCV002037997.4), dbSNP rs181273359, ClinGen allele CA6721737.
Genomic context (GRCh38, chr12:94,368,090, plus strand): 5'-GTCAAACTAAGGTAATTAAGTACTTACTTTTCATCTTGTAATACCACAAGTTTTTGATAA[C>T]CTTCTTCTTTGGCAGCTTGTACTTTACGTATTAATTCACGATCCTTTTCTACTAAGAGCA-3'
Protein context (NP_057206.2, residues 377-397): IRKVQAAKEE[Gly387Asp]YQKLVVLQDE

ClinVar aggregate classification (germline): Uncertain significance. Review status: criteria provided, multiple submitters, no conflicts (2 of 4 stars). 2 submissions from 2 submitters: Uncertain significance (2). Last evaluated 2024-06-28.

Conditions:
Nephronophthisis 18 (NPHP18). Identifiers: Orphanet 655, MedGen C3890591, MONDO:0014374, OMIM 615862.

Allele frequency attached by ClinVar (database versions not stated): gnomAD exomes 0.00001; TOPMed 0.00002; gnomAD 0.00003; ExAC 0.00008; 1000 Genomes Project 30x 0.00016; 1000 Genomes Project 0.00020.
gnomAD v4.1: 15 of 1,613,284 alleles (0.00093%); highest among the groups gnomAD compares: East Asian, 0.029%; no homozygotes.

Submissions (2):

Blueprint Genetics
Classification: Uncertain significance. Last evaluated: 2024-06-28. Review status: criteria provided, single submitter. Criteria: ACMG Guidelines, 2015. Collection method: clinical testing. Allele origin: germline.

Labcorp Genetics (formerly Invitae), Labcorp
Classification: Uncertain significance for Nephronophthisis 18. Last evaluated: 2023-12-07. Review status: criteria provided, single submitter. Criteria: Invitae Variant Classification Sherloc (09022015). Collection method: clinical testing. Allele origin: germline.
Comment: This sequence change replaces glycine, which is neutral and non-polar, with aspartic acid, which is acidic and polar, at codon 387 of the CEP83 protein (p.Gly387Asp). This variant is present in population databases (rs181273359, gnomAD 0.07%). This variant has not been reported in the literature in individuals affected with CEP83-related conditions. ClinVar contains an entry for this variant (Variation ID: 2037997). Advanced modeling of protein sequence and biophysical properties (such as structural, functional, and spatial information, amino acid conservation, physicochemical variation, residue mobility, and thermodynamic stability) performed at Invitae indicates that this missense variant is not expected to disrupt CEP83 protein function with a negative predictive value of 80%. In summary, the available evidence is currently insufficient to determine the role of this variant in disease. Therefore, it has been classified as a Variant of Uncertain Significance.